The following is an entry in ClinVar:

ClinVar aggregate classification (germline): Uncertain significance (1 of 4 stars; one submission).

Conditions:
Hypomyelination and Congenital Cataract (HLD5). Also called: hypomyelinating leukodystrophy 5. Identifiers: Orphanet 85163, MedGen C1864663, MONDO:0012514, OMIM 610532.

Allele frequency attached by ClinVar (database versions not stated): gnomAD exomes 0.00001; TOPMed 0.00005; ExAC 0.00006; gnomAD 0.00007; ESP Exome Variant Server 0.00015; 1000 Genomes Project 30x 0.00031; 1000 Genomes Project 0.00040.
gnomAD v4.1: 29 of 1,613,830 alleles (0.0018%); highest among the groups gnomAD compares: African/African-American, 0.025%; no homozygotes.

Submission:

Labcorp Genetics (formerly Invitae), Labcorp
Classification: Uncertain significance for Hypomyelination and Congenital Cataract. Last evaluated: 2022-08-16. Review status: criteria provided, single submitter. Criteria: Invitae Variant Classification Sherloc (09022015). Collection method: clinical testing. Allele origin: germline.
Comment: In summary, the available evidence is currently insufficient to determine the role of this variant in disease. Therefore, it has been classified as a Variant of Uncertain Significance. Algorithms developed to predict the effect of missense changes on protein structure and function are either unavailable or do not agree on the potential impact of this missense change (SIFT: "Deleterious"; PolyPhen-2: "Benign"; Align-GVGD: "Class C15"). This variant has not been reported in the literature in individuals affected with FAM126A-related conditions. This variant is present in population databases (rs371274991, gnomAD 0.03%). This sequence change replaces glutamic acid, which is acidic and polar, with glycine, which is neutral and non-polar, at codon 393 of the FAM126A protein (p.Glu393Gly).

NM_032581.4(HYCC1):c.1178A>G (p.Glu393Gly)

Gene: HYCC1 (hyccin PI4KA lipid kinase complex subunit 1; minus strand). Cytogenetic location: 7p15.3.
Variant type: single nucleotide variant.
Coding change: c.1178A>G on transcript NM_032581.4 (MANE Select); coding-DNA position 1178, A replaced by G.
Protein change: p.Glu393Gly; replaces glutamic acid 393 with glycine.
Molecular consequence: missense variant. On other transcripts: 3 prime UTR variant (2).
Genome position (GRCh38, 1-based): chr7:22,945,977, T>C on the plus strand (A>G on the coding strand, the complement: HYCC1 is on the minus strand). VCF-style: chr7-22945977-T-C. GRCh37 (hg19) VCF-style: chr7-22985596-T-C.
Other names: c.*214A>G (NM_001363466.2); c.*172A>G (NM_001363467.2); short protein forms E393G.
Identifiers: ClinVar variation 2156966 (VCV002156966.3), dbSNP rs371274991, ClinGen allele CA4185773.